The following is an entry in ClinVar:

NM_001465.6(FYB1):c.1836T>G (p.Ser612Arg)

Gene: FYB1 (FYN binding protein 1; minus strand). Cytogenetic location: 5p13.1.
Variant type: single nucleotide variant.
Coding change: c.1836T>G on transcript NM_001465.6 (MANE Select); coding-DNA position 1836, T replaced by G.
Protein change: p.Ser612Arg; replaces serine 612 with arginine.
Molecular consequence: missense variant.
Genome position (GRCh38, 1-based): chr5:39,130,594, A>C on the plus strand (T>G on the coding strand, the complement: FYB1 is on the minus strand). VCF-style: chr5-39130594-A-C. GRCh37 (hg19) VCF-style: chr5-39130696-A-C.
Other names: p.Ser612Arg; c.1866T>G, p.Ser622Arg (NM_001243093.2, NM_018594.2); c.1836T>G, p.Ser612Arg (NM_001349333.2, NM_199335.5); short protein forms S612R, S622R.
Identifiers: ClinVar variation 4541045 (VCV004541045.1).
Genomic context (GRCh38, chr5:39,130,594, plus strand): 5'-ACATGCCAATATATGTATCAATTGTAAAATGTCATTTTAAGAAGCGTGTGGCTTACCTCC[A>C]CTTCCACTCTGACTGTGGCTAGAAAAGAAACCCAGAAATATTAAGTTAATCTATGAATTA-3'
Protein context (NP_001456.3, residues 602-622): DDISSHSQSG[Ser612Arg]GGIFPPPPDD

ClinVar aggregate classification (germline): Uncertain significance (1 of 4 stars; one submission).

gnomAD v4.1: 5 of 1,574,260 alleles (0.00032%); highest among the groups gnomAD compares: Admixed American, 0.0073%; no homozygotes.

Submission:

Mayo Clinic Laboratories, Mayo Clinic
Classification: Uncertain significance. Last evaluated: 2024-12-16. Review status: criteria provided, single submitter. Criteria: ACMG Guidelines, 2015. Collection method: clinical testing. Allele origin: germline. Observed: 1 variant allele.
Comment: BP4_moderate, PM2_supporting